The following is an entry in ClinVar:

NM_001540.5(HSPB1):c.365-5_365-4del

Gene: HSPB1 (heat shock protein family B (small) member 1; plus strand). Cytogenetic location: 7q11.23.
Variant type: Deletion.
Coding change: c.365-5_365-4del on transcript NM_001540.5 (MANE Select); 5 bases into the intron before coding-DNA position 365 through 4 bases into the intron before coding-DNA position 365, 2 bases deleted (CA; older notation c.365-5_365-4delCA).
Molecular consequence: intron variant.
Genome position (GRCh38, 1-based): chr7:76,303,797-76,303,798, CA deleted. VCF-style (leftmost placement, unchanged base first): chr7-76303796-CCA-C. GRCh37 (hg19) VCF-style: chr7-75933113-CCA-C.
Identifiers: ClinVar variation 1505297 (VCV001505297.8), dbSNP rs752802110, ClinGen allele CA4306359.
Genomic context (GRCh38, chr7:76,303,796, plus strand): 5'-TCTGGCCTAGCGGGGCCGAAAGGCAGTCCCCTCCCCCGCAGTCTGATTTCCCTCTTCCCC[CCA>C]AAGGCAAGCACGAGGAGCGGCAGGACGAGCATGGCTACATCTCCCGGTGCTTCACGCGGA-3'

ClinVar aggregate classification (germline): Uncertain significance (1 of 4 stars; one submission).

Conditions:
Charcot-Marie-Tooth disease axonal type 2F (CMT2F). Also called: CHARCOT-MARIE-TOOTH DISEASE, NEURONAL, TYPE 2F; Charcot-Marie-Tooth Neuropathy Type 2F. Identifiers: Orphanet 99940, MedGen C1847823, MONDO:0011687, OMIM 606595.

Allele frequency attached by ClinVar (database versions not stated): gnomAD exomes below 0.00001 and 0.00001; ExAC 0.00001; gnomAD 0.00001.

Submission:

Labcorp Genetics (formerly Invitae), Labcorp
Classification: Uncertain significance for Charcot-Marie-Tooth disease axonal type 2F. Last evaluated: 2021-02-18. Review status: criteria provided, single submitter. Criteria: Invitae Variant Classification Sherloc (09022015). Collection method: clinical testing. Allele origin: germline.
Comment: This sequence change falls in intron 1 of the HSPB1 gene. It does not directly change the encoded amino acid sequence of the HSPB1 protein. This variant is present in population databases (rs752802110, ExAC 0.01%). This variant has not been reported in the literature in individuals with HSPB1-related conditions. Algorithms developed to predict the effect of sequence changes on RNA splicing suggest that this variant may disrupt the consensus splice site, but this prediction has not been confirmed by published transcriptional studies. In summary, the available evidence is currently insufficient to determine the role of this variant in disease. Therefore, it has been classified as a Variant of Uncertain Significance.